The following is an entry in ClinVar:

NM_021939.4(FKBP10):c.813_814del (p.Glu271fs)

Gene: FKBP10 (FKBP prolyl isomerase 10; plus strand). Cytogenetic location: 17q21.2.
Variant type: Microsatellite.
Coding change: c.813_814del on transcript NM_021939.4 (MANE Select); coding-DNA positions 813 to 814, 2 bases deleted (GA; older notation c.813_814delGA).
Protein change: p.Glu271fs; shifts the reading frame from glutamic acid 271.
Molecular consequence: frameshift variant.
Genome position (GRCh38, 1-based): chr17:41,819,295-41,819,296, GA deleted; deleting any 2 consecutive bases within chr17:41,819,292-41,819,296 gives the same sequence; the c. name uses the placement nearest the transcript's 3' end. VCF-style (leftmost placement, unchanged base first): chr17-41819291-TAG-T. GRCh37 (hg19) VCF-style: chr17-39975543-TAG-T.
Other names: short protein forms E271fs.
Identifiers: ClinVar variation 4796536 (VCV004796536.1).

ClinVar aggregate classification (germline): Pathogenic (1 of 4 stars; one submission).

Conditions:
Osteogenesis imperfecta type 11. Also called: Osteogenesis imperfecta, type XI; OI, TYPE XI. Identifiers: Orphanet 666, MedGen C3151218, MONDO:0012592, OMIM 610968.

Submission:

Juno Genomics, Hangzhou Juno Genomics, Inc
Classification: Pathogenic for Osteogenesis imperfecta type 11. Review status: criteria provided, single submitter. Criteria: ACMG Guidelines, 2015. Collection method: clinical testing. Allele origin: germline. Affected: yes.
Comment: Absent from controls (or at extremely low frequency if recessive) in Genome Aggregation Database, Exome Sequencing Project, 1000 Genomes Project, or Exome Aggregation Consortium.;Null variant in a gene where loss of function (LOF) is a known mechanism of disease.;For recessive disorders, detected in trans with a pathogenic variant.;Patient's phenotype or family history is highly specific for a disease with a single genetic etiology.